The following is an entry in ClinVar:

NC_000014.8:g.(102489218_102492910)_(102522781_?)dup

Gene: DYNC1H1 (dynein cytoplasmic 1 heavy chain 1; plus strand). Cytogenetic location: 14q32.31.
Variant type: Duplication.
Identifiers: ClinVar variation 3895742 (VCV003895742.1).

ClinVar aggregate classification (germline): Uncertain significance (1 of 4 stars; one submission).

Submission:

Women's Health and Genetics/Laboratory Corporation of America, LabCorp
Classification: Uncertain significance. Last evaluated: 2025-03-10. Review status: criteria provided, single submitter. Criteria: LabCorp Variant Classification Summary - May 2015. Collection method: clinical testing. Allele origin: germline.
Comment: Variant summary: The variant involves the duplication of exons 44-78 in the DYNC1H1 gene. A presumed nomenclature of c.(8637+1_8638-1)_(*5881_?)dup has been designated for the purposes of this classification. The exact breakpoint at the 3' end of this variant is unknown, therefore this duplication may extend downstream of the annotated region of the gene. As it duplicates the termination codon, its effect on the encoded protein is unknown. The variant was absent in 21672 control chromosomes. The available data on variant occurrences in the general population are insufficient to allow any conclusion about variant significance. To our knowledge, no occurrence of c.(8637+1_8638-1)_(*5881_?)dup in individuals affected with Charcot-Marie-Tooth disease axonal type 2O and no experimental evidence demonstrating its impact on protein function have been reported. ClinVar contains an entry for this variant (Variation ID: 1003422). Based on the evidence outlined above, the variant was classified as uncertain significance.